The following is an entry in ClinVar:

ClinVar aggregate classification (germline): Likely benign (0 of 4 stars; one submission).

Conditions:
LRP1B-related disorder. Also called: LRP1B-related condition.

Allele frequency attached by ClinVar (database versions not stated): gnomAD 0.00187; TOPMed 0.00197; 1000 Genomes Project 0.00200; 1000 Genomes Project 30x 0.00203; ESP Exome Variant Server 0.00231.
gnomAD v4.1: 499 of 1,600,100 alleles (0.031%); highest among the groups gnomAD compares: African/African-American, 0.58%; 1 homozygote.

Submission:

PreventionGenetics, part of Exact Sciences
Classification: Likely benign for LRP1B-related condition. Last evaluated: 2019-07-31. Review status: no assertion criteria provided. Collection method: clinical testing. Allele origin: germline.
Comment: This variant is classified as likely benign based on ACMG/AMP sequence variant interpretation guidelines (Richards et al. 2015 PMID: 25741868, with internal and published modifications).

NM_018557.3(LRP1B):c.4320G>T (p.Val1440=)

Gene: LRP1B (LDL receptor related protein 1B; minus strand). Cytogenetic location: 2q22.1.
Variant type: single nucleotide variant.
Coding change: c.4320G>T on transcript NM_018557.3 (MANE Select); coding-DNA position 4320, G replaced by T.
Protein change: p.Val1440=; no amino-acid change (valine 1440 retained).
Molecular consequence: synonymous variant.
Genome position (GRCh38, 1-based): chr2:140,868,113, C>A on the plus strand (G>T on the coding strand, the complement: LRP1B is on the minus strand). VCF-style: chr2-140868113-C-A. GRCh37 (hg19) VCF-style: chr2-141625682-C-A.
Identifiers: ClinVar variation 3050589 (VCV003050589.2), dbSNP rs151169845, ClinGen allele CA1895223.
Genomic context (GRCh38, chr2:140,868,113, plus strand): 5'-TATCTAAGTAAAAAAAAAAATACAGAAAAGAGATGATTTTTTAAACCTGGCGTCTGTCCA[C>A]ACTATCCTTTTCTCAAAGTGGTCCACAGTTAGTCCATTAGGCCAAGCCCCAGTTTTCATG-3'
Protein context (NP_061027.2, residues 1430-1450): LTVDHFEKRI[Val1440=]WTDARSDAIY